The following is an entry in ClinVar:

NM_018297.4(NGLY1):c.1355C>G (p.Pro452Arg)

Gene: NGLY1 (N-glycanase 1; minus strand). Cytogenetic location: 3p24.2.
Variant type: single nucleotide variant.
Coding change: c.1355C>G on transcript NM_018297.4 (MANE Select); coding-DNA position 1355, C replaced by G.
Protein change: p.Pro452Arg; replaces proline 452 with arginine.
Molecular consequence: missense variant.
Genome position (GRCh38, 1-based): chr3:25,732,389, G>C on the plus strand (C>G on the coding strand, the complement: NGLY1 is on the minus strand). VCF-style: chr3-25732389-G-C. GRCh37 (hg19) VCF-style: chr3-25773880-G-C.
Other names: c.1301C>G, p.Pro434Arg (NM_001145293.2); c.1229C>G, p.Pro410Arg (NM_001145294.2); c.1355C>G, p.Pro452Arg (NM_001145295.2); short protein forms P410R, P434R, P452R.
Identifiers: ClinVar variation 658206 (VCV000658206.3), dbSNP rs187892679, ClinGen allele CA2289181.

ClinVar aggregate classification (germline): Uncertain significance (1 of 4 stars; one submission).

Conditions:
Congenital disorder of deglycosylation (CDDG). Identifiers: MedGen C3808991, MONDO:0031376.

Allele frequency attached by ClinVar (database versions not stated): gnomAD exomes 0.00001 and 0.00013; TOPMed 0.00006; ExAC 0.00009; 1000 Genomes Project 0.00020; 1000 Genomes Project 30x 0.00078.
gnomAD v4.1: 23 of 1,613,798 alleles (0.0014%); highest among the groups gnomAD compares: East Asian, 0.049%; no homozygotes.

Submission:

Labcorp Genetics (formerly Invitae), Labcorp
Classification: Uncertain significance for Congenital disorder of deglycosylation. Last evaluated: 2022-09-27. Review status: criteria provided, single submitter. Criteria: Invitae Variant Classification Sherloc (09022015). Collection method: clinical testing. Allele origin: germline.
Comment: This sequence change replaces proline, which is neutral and non-polar, with arginine, which is basic and polar, at codon 452 of the NGLY1 protein (p.Pro452Arg). This variant is present in population databases (rs187892679, gnomAD 0.2%). This variant has not been reported in the literature in individuals affected with NGLY1-related conditions. ClinVar contains an entry for this variant (Variation ID: 658206). Algorithms developed to predict the effect of missense changes on protein structure and function (SIFT, PolyPhen-2, Align-GVGD) all suggest that this variant is likely to be tolerated. In summary, the available evidence is currently insufficient to determine the role of this variant in disease. Therefore, it has been classified as a Variant of Uncertain Significance.